The following is an entry in ClinVar:

NM_001370259.2(MEN1):c.239T>C (p.Val80Ala)

Gene: MEN1 (menin 1; minus strand). Cytogenetic location: 11q13.1.
Variant type: single nucleotide variant.
Coding change: c.239T>C on transcript NM_001370259.2 (MANE Select); coding-DNA position 239, T replaced by C.
Protein change: p.Val80Ala; replaces valine 80 with alanine.
Molecular consequence: missense variant. On other transcripts: non-coding transcript variant (4).
Genome position (GRCh38, 1-based): chr11:64,809,871, A>G on the plus strand (T>C on the coding strand, the complement: MEN1 is on the minus strand). VCF-style: chr11-64809871-A-G. GRCh37 (hg19) VCF-style: chr11-64577343-A-G.
Other names: c.239T>C, p.Val80Ala (NM_000244.4, NM_001370251.2, NM_001370260.2 and 20 more transcripts); short protein forms V80A.
Identifiers: ClinVar variation 3630879 (VCV003630879.2).

ClinVar aggregate classification (germline): Uncertain significance (1 of 4 stars; one submission).

Conditions:
Multiple endocrine neoplasia, type 1 (MEN1). Also called: MEN I; WERMER SYNDROME; Endocrine adenomatosis multiple; MEN 1; MEA I. Identifiers: Orphanet 652, MedGen C0025267, MeSH D018761, MONDO:0007540, OMIM 131100.

gnomAD v4.1: 1 of 1,604,668 alleles (0.000062%); highest among the groups gnomAD compares: South Asian, 0.0011%; no homozygotes.

Submission:

Labcorp Genetics (formerly Invitae), Labcorp
Classification: Uncertain significance for Multiple endocrine neoplasia, type 1. Last evaluated: 2024-08-05. Review status: criteria provided, single submitter. Criteria: Invitae Variant Classification Sherloc (09022015). Collection method: clinical testing. Allele origin: germline.
Comment: This sequence change replaces valine, which is neutral and non-polar, with alanine, which is neutral and non-polar, at codon 80 of the MEN1 protein (p.Val80Ala). This variant is not present in population databases (gnomAD no frequency). This variant has not been reported in the literature in individuals affected with MEN1-related conditions. Advanced modeling of protein sequence and biophysical properties (such as structural, functional, and spatial information, amino acid conservation, physicochemical variation, residue mobility, and thermodynamic stability) has been performed at Invitae for this missense variant, however the output from this modeling did not meet the statistical confidence thresholds required to predict the impact of this variant on MEN1 protein function. In summary, the available evidence is currently insufficient to determine the role of this variant in disease. Therefore, it has been classified as a Variant of Uncertain Significance.